The following is an entry in ClinVar:

NM_001042492.3(NF1):c.1955_1958dup (p.Pro654fs)

Gene: NF1 (neurofibromin 1; plus strand). Cytogenetic location: 17q11.2.
Variant type: Duplication.
Coding change: c.1955_1958dup on transcript NM_001042492.3 (MANE Select); coding-DNA positions 1955 to 1958, 4 bases duplicated (GTAC; older notation c.1955_1958dupGTAC).
Protein change: p.Pro654fs; shifts the reading frame from proline 654.
Molecular consequence: frameshift variant.
Genome position (GRCh38, 1-based): chr17:31,225,204-31,225,207, GTAC duplicated; duplicating any 4 consecutive bases within chr17:31,225,201-31,225,207 gives the same sequence; the c. name uses the placement nearest the transcript's 3' end. VCF-style (leftmost placement, unchanged base first): chr17-31225200-C-CTACG. GRCh37 (hg19) VCF-style: chr17-29552218-C-CTACG.
Other names: c.1955_1958dup, p.Pro654fs (NM_000267.4); short protein forms P654fs.
Identifiers: ClinVar variation 4726122 (VCV004726122.1).

ClinVar aggregate classification (germline): Pathogenic (1 of 4 stars; one submission).

Conditions:
Neurofibromatosis, type 1 (NF1). Also called: NEUROFIBROMATOSIS, TYPE I, SOMATIC; VON RECKLINGHAUSEN DISEASE; Peripheral type neurofibromatosis; Neurofibromatosis, type I. Identifiers: Orphanet 636, MedGen C0027831, MONDO:0018975, OMIM 162200. Disease mechanism: loss of function.

Submission:

Labcorp Genetics (formerly Invitae), Labcorp
Classification: Pathogenic for Neurofibromatosis, type 1. Last evaluated: 2025-08-26. Review status: criteria provided, single submitter. Criteria: Invitae Variant Classification Sherloc (09022015). Collection method: clinical testing. Allele origin: germline.
Comment: This sequence change creates a premature translational stop signal (p.Pro654Tyrfs*17) in the NF1 gene. It is expected to result in an absent or disrupted protein product. Loss-of-function variants in NF1 are known to be pathogenic (PMID: 10712197, 23913538). This variant is not present in population databases (gnomAD no frequency). This variant has not been reported in the literature in individuals affected with NF1-related conditions. Algorithms developed to predict the effect of sequence changes on RNA splicing suggest that this variant may disrupt the consensus splice site. For these reasons, this variant has been classified as Pathogenic.

Literature cited by the submitters: PubMed 10712197; PubMed 23913538.